The following is an entry in ClinVar:

ClinVar aggregate classification (germline): Pathogenic (1 of 4 stars; one submission).

Submission:

CeGaT Center for Human Genetics Tuebingen
Classification: Pathogenic. Last evaluated: 2024-10-01. Review status: criteria provided, single submitter. Criteria: CeGaT Center For Human Genetics Tuebingen Variant Classification Criteria Version 2. Collection method: clinical testing. Allele origin: germline. Affected: yes. Observed: 3 variant alleles.
Comment: MYBPC3: PVS1, PM2

NM_000256.3(MYBPC3):c.2577del (p.Ala860fs)

Gene: MYBPC3 (myosin binding protein C3; minus strand). Cytogenetic location: 11p11.2.
Variant type: Deletion.
Coding change: c.2577del on transcript NM_000256.3 (MANE Select); coding-DNA position 2577, one base deleted (T; older notation c.2577delT).
Protein change: p.Ala860fs; shifts the reading frame from alanine 860.
Molecular consequence: frameshift variant.
Genome position (GRCh38, 1-based): chr11:47,337,416, A deleted on the plus strand (T on the coding strand, the reverse complement: MYBPC3 is on the minus strand). VCF-style (leftmost placement, unchanged base first): chr11-47337415-CA-C. GRCh37 (hg19) VCF-style: chr11-47358966-CA-C.
Other names: short protein forms A860fs.
Identifiers: ClinVar variation 3257565 (VCV003257565.17).
Genomic context (GRCh38, chr11:47,337,415, plus strand): 5'-GGGGGCGGGGGGCAGGACCAGGCCAGGCAGGCTCACCGATAGGCATGAAGGGCTGGGAGG[CA>C]GGGCTGGGCCTGGACATGCCGATGGCGTTGACCGCGTAGACGCGCATCTCGTACACCACG-3'